The following is an entry in ClinVar:

ClinVar aggregate classification (germline): Conflicting classifications of pathogenicity. Review status: criteria provided, conflicting classifications (1 of 4 stars). 3 submissions from 3 submitters: Uncertain significance (2); Likely benign (1). Last evaluated 2025-06-13.

Conditions:
Hereditary breast ovarian cancer syndrome. Also called: Hereditary breast and ovarian cancer syndrome (HBOC); Breast and ovarian cancer; BRCA1- and BRCA2-Associated Hereditary Breast and Ovarian Cancer; Hereditary breast and/or ovarian cancer syndrome; Hereditary breast and ovarian cancer; Hereditary breast and ovarian cancer syndrome. Identifiers: Orphanet 145, MedGen C0677776, MeSH D061325, MONDO:0003582. Disease mechanism: loss of function.
Hereditary cancer-predisposing syndrome. Also called: Hereditary Cancer Syndrome; Hereditary neoplastic syndrome; Neoplastic Syndromes, Hereditary; Tumor predisposition. Identifiers: Orphanet 140162, MedGen C0027672, MeSH D009386, MONDO:0015356.

Submissions (3):

Ambry Genetics
Classification: Uncertain significance for Hereditary cancer-predisposing syndrome. Last evaluated: 2025-06-13. Review status: criteria provided, single submitter. Criteria: Ambry Variant Classification Scheme 2023. Collection method: clinical testing. Allele origin: germline.
Comment: The p.G1761V variant (also known as c.5282G>T), located in coding exon 10 of the BRCA2 gene, results from a G to T substitution at nucleotide position 5282. The glycine at codon 1761 is replaced by valine, an amino acid with dissimilar properties. This amino acid position is not well conserved in available vertebrate species. In addition, this alteration is predicted to be tolerated by in silico analysis. Based on the available evidence, the clinical significance of this variant remains unclear.

Labcorp Genetics (formerly Invitae), Labcorp
Classification: Uncertain significance for Hereditary breast ovarian cancer syndrome. Last evaluated: 2025-04-21. Review status: criteria provided, single submitter. Criteria: Invitae Variant Classification Sherloc (09022015). Collection method: clinical testing. Allele origin: germline.
Comment: This sequence change replaces glycine, which is neutral and non-polar, with valine, which is neutral and non-polar, at codon 1761 of the BRCA2 protein (p.Gly1761Val). This variant is not present in population databases (gnomAD no frequency). This variant has not been reported in the literature in individuals affected with BRCA2-related conditions. ClinVar contains an entry for this variant (Variation ID: 1432146). Invitae Evidence Modeling of protein sequence and biophysical properties (such as structural, functional, and spatial information, amino acid conservation, physicochemical variation, residue mobility, and thermodynamic stability) indicates that this missense variant is not expected to disrupt BRCA2 protein function with a negative predictive value of 95%. In summary, the available evidence is currently insufficient to determine the role of this variant in disease. Therefore, it has been classified as a Variant of Uncertain Significance.

University of Washington Department of Laboratory Medicine, University of Washington
Classification: Likely benign for Hereditary cancer-predisposing syndrome. Last evaluated: 2023-03-23. Review status: criteria provided, single submitter. Criteria: Dines et al. (Genet Med. 2020). Collection method: curation. Allele origin: germline.
Comment: Missense variant in a coldspot region where missense variants are very unlikely to be pathogenic (PMID:31911673).

BRCA2 exon 11 coldspot. Reclassification based on statistical prior probability.

NM_000059.4(BRCA2):c.5282G>T (p.Gly1761Val)

Gene: BRCA2 (BRCA2 DNA repair associated; plus strand). Cytogenetic location: 13q13.1.
Variant type: single nucleotide variant.
Coding change: c.5282G>T on transcript NM_000059.4 (MANE Select); coding-DNA position 5282, G replaced by T.
Protein change: p.Gly1761Val; replaces glycine 1761 with valine.
Molecular consequence: missense variant.
Genome position (GRCh38, 1-based): chr13:32,339,637, G>T. VCF-style: chr13-32339637-G-T. GRCh37 (hg19) VCF-style: chr13-32913774-G-T.
Other names: c.5282G>T (NM_000059.3); short protein forms G1761V.
Identifiers: ClinVar variation 1432146 (VCV001432146.10), dbSNP rs80358752, ClinGen allele CA387784766.
Genomic context (GRCh38, chr13:32,339,637, plus strand): 5'-GTAACAGTAGCATGTCTAACAGCTATTCCTACCATTCTGATGAGGTATATAATGATTCAG[G>T]ATATCTCTCAAAAAATAAACTTGATTCTGGTATTGAGCCAGTATTGAAGAATGTTGAAGA-3'
Protein context (NP_000050.3, residues 1751-1771): YHSDEVYNDS[Gly1761Val]YLSKNKLDSG